The following is an entry in ClinVar:

NM_002838.5(PTPRC):c.1140C>T (p.Asn380=)

Gene: PTPRC (protein tyrosine phosphatase receptor type C; plus strand). Cytogenetic location: 1q32.1.
Variant type: single nucleotide variant.
Coding change: c.1140C>T on transcript NM_002838.5 (MANE Select); coding-DNA position 1140, C replaced by T.
Protein change: p.Asn380=; no amino-acid change (asparagine 380 retained).
Molecular consequence: synonymous variant.
Genome position (GRCh38, 1-based): chr1:198,709,793, C>T. VCF-style: chr1-198709793-C-T. GRCh37 (hg19) VCF-style: chr1-198678922-C-T.
Other names: c.657C>T, p.Asn219= (NM_080921.4).
Identifiers: ClinVar variation 697954 (VCV000697954.32), dbSNP rs200643724, ClinGen allele CA1314708.
Genomic context (GRCh38, chr1:198,709,793, plus strand): 5'-ACCCGAACATGAGTATAAGTGTGACTCAGAAATACTCTATAATAACCACAAGTTTACTAA[C>T]GCAAGTAAAATTATTAAAACAGATTTTGGGAGTGAGTATGTTACTTGCATTTATATGTAA-3'
Protein context (NP_002829.3, residues 370-390): EILYNNHKFT[Asn380=]ASKIIKTDFG

ClinVar aggregate classification (germline): Likely benign. Review status: criteria provided, multiple submitters, no conflicts (2 of 4 stars). 3 submissions from 3 submitters: Likely benign (3). Last evaluated 2025-05-13.

Conditions:
Immunodeficiency 104. Also called: Severe combined immunodeficiency, autosomal recessive, T cell-negative, B cell-positive, NK cell-positive; Severe Combined Immune Deficiency, Autosomal Recessive, TCell -Negative, B Cell-Positive, NK Cell-Positive, IL7R-Related; IMMUNODEFICIENCY 104, SEVERE COMBINED; SCID, AUTOSOMAL RECESSIVE, T CELL-NEGATIVE, B CELL-POSITIVE, NK CELL-POSITIVE. Identifiers: MedGen C5676890, MONDO:0012163, OMIM 608971.

Allele frequency attached by ClinVar (database versions not stated): gnomAD 0.00002; TOPMed 0.00003; gnomAD exomes 0.00006 and 0.00010; ExAC 0.00007; ESP Exome Variant Server 0.00015.
gnomAD v4.1: 141 of 1,612,306 alleles (0.0087%); highest among the groups gnomAD compares: Non-Finnish European, 0.011%; no homozygotes.

Submissions (3):

Labcorp Genetics (formerly Invitae), Labcorp
Classification: Likely benign for Immunodeficiency 104. Last evaluated: 2025-05-13. Review status: criteria provided, single submitter. Criteria: Invitae Variant Classification Sherloc (09022015). Collection method: clinical testing. Allele origin: germline.

Blueprint Genetics
Classification: Likely benign. Last evaluated: 2024-05-28. Review status: criteria provided, single submitter. Criteria: ACMG Guidelines, 2015. Collection method: clinical testing. Allele origin: germline.

CeGaT Center for Human Genetics Tuebingen
Classification: Likely benign. Last evaluated: 2023-10-01. Review status: criteria provided, single submitter. Criteria: CeGaT Center For Human Genetics Tuebingen Variant Classification Criteria Version 2. Collection method: clinical testing. Allele origin: germline. Affected: yes. Observed: 1 variant allele.
Comment: PTPRC: BP4, BP7